The following is an entry in ClinVar:

ClinVar aggregate classification (germline): Uncertain significance (1 of 4 stars; one submission).

Conditions:
Shprintzen-Goldberg syndrome (SGS). Also called: SHPRINTZEN-GOLDBERG CRANIOSYNOSTOSIS SYNDROME; CRANIOSYNOSTOSIS WITH ARACHNODACTYLY AND ABDOMINAL HERNIAS; Marfanoid disorder with craniosynostosis type 1; Marfanoid craniosynostosis syndrome; Shprintzen-Goldberg marfanoid syndrome. Identifiers: Orphanet 2462, MedGen C1321551, MONDO:0008426, OMIM 182212.

Submission:

Labcorp Genetics (formerly Invitae), Labcorp
Classification: Uncertain significance for Shprintzen-Goldberg syndrome. Last evaluated: 2022-02-27. Review status: criteria provided, single submitter. Criteria: Invitae Variant Classification Sherloc (09022015). Collection method: clinical testing. Allele origin: germline.
Comment: In summary, the available evidence is currently insufficient to determine the role of this variant in disease. Therefore, it has been classified as a Variant of Uncertain Significance. Advanced modeling of protein sequence and biophysical properties (such as structural, functional, and spatial information, amino acid conservation, physicochemical variation, residue mobility, and thermodynamic stability) performed at Invitae indicates that this missense variant is not expected to disrupt SKI protein function. This variant has not been reported in the literature in individuals affected with SKI-related conditions. This variant is not present in population databases (gnomAD no frequency). This sequence change replaces aspartic acid, which is acidic and polar, with alanine, which is neutral and non-polar, at codon 403 of the SKI protein (p.Asp403Ala).

NM_003036.4(SKI):c.1208A>C (p.Asp403Ala)

Gene: SKI (SKI proto-oncogene; plus strand). Cytogenetic location: 1p36.32.
Variant type: single nucleotide variant.
Coding change: c.1208A>C on transcript NM_003036.4 (MANE Select); coding-DNA position 1208, A replaced by C.
Protein change: p.Asp403Ala; replaces aspartic acid 403 with alanine.
Molecular consequence: missense variant.
Genome position (GRCh38, 1-based): chr1:2,303,397, A>C. VCF-style: chr1-2303397-A-C. GRCh37 (hg19) VCF-style: chr1-2234836-A-C.
Other names: short protein forms D403A.
Identifiers: ClinVar variation 1955082 (VCV001955082.5), dbSNP rs1640477390, ClinGen allele CA337954668.